The following is an entry in ClinVar:

ClinVar aggregate classification (germline): Likely pathogenic (1 of 4 stars; one submission).

Conditions:
Rare genetic deafness. Identifiers: Orphanet 96210, MedGen C5680250.

Allele frequency attached by ClinVar (database versions not stated): ExAC 0.00001; gnomAD exomes below 0.00001.

Submission:

Laboratory for Molecular Medicine, Mass General Brigham Personalized Medicine
Classification: Likely pathogenic for Rare genetic deafness. Last evaluated: 2012-05-07. Review status: criteria provided, single submitter. Criteria: LMM Criteria. Collection method: clinical testing. Allele origin: germline. Inheritance: Autosomal recessive inheritance. Observed: 2 variant alleles.
Comment: The Asp2641His variant in CDH23 has not been reported in the literature nor prev iously identified by our laboratory. This residue is conserved across species an d computational analyses (PolyPhen, SIFT) suggest that the Asp2641His variant ma y impact the protein. The presence of this variant in combination with a pathoge nic variant and in an individual with clinical features of Usher syndrome, incre ases the likelihood that the Asp2641His variant is pathogenic.

NM_022124.6(CDH23):c.7921G>C (p.Asp2641His)

Genes: CDH23 (cadherin related 23; plus strand), LOC111982869 (Sharpr-MPRA regulatory region 2121; plus strand). Cytogenetic location: 10q22.1.
Variant type: single nucleotide variant.
Coding change: c.7921G>C on transcript NM_022124.6 (MANE Select); coding-DNA position 7921, G replaced by C.
Protein change: p.Asp2641His; replaces aspartic acid 2641 with histidine.
Molecular consequence: missense variant.
Genome position (GRCh38, 1-based): chr10:71,805,854, G>C. VCF-style: chr10-71805854-G-C. GRCh37 (hg19) VCF-style: chr10-73565611-G-C.
Other names: c.1201G>C, p.Asp401His (NM_001171933.1, NM_001171934.1); short protein forms D2641H, D401H.
Identifiers: ClinVar variation 46041 (VCV000046041.4), dbSNP rs397517354, ClinGen allele CA261803.